The following is an entry in ClinVar:

ClinVar aggregate classification (germline): Conflicting classifications of pathogenicity. Review status: criteria provided, conflicting classifications (1 of 4 stars). 4 submissions from 4 submitters: Uncertain significance (2); Likely benign (1). 1 of the submissions does not count toward it. Last evaluated 2025-11-05.

Conditions:
Hereditary cancer-predisposing syndrome. Also called: Hereditary neoplastic syndrome; Neoplastic Syndromes, Hereditary; Hereditary Cancer Syndrome; Tumor predisposition. Identifiers: Orphanet 140162, MedGen C0027672, MeSH D009386, MONDO:0015356.
Renal cell carcinoma. Identifiers: Orphanet 217071, MedGen C0007134, MeSH D002292, MONDO:0005086, HP:0005584.

Allele frequency attached by ClinVar (database versions not stated): TOPMed below 0.00001; gnomAD exomes 0.00001.
gnomAD v4.1: 5 of 1,613,986 alleles (0.00031%); highest among the groups gnomAD compares: Non-Finnish European, 0.00034%; no homozygotes.

Submissions (4):

Labcorp Genetics (formerly Invitae), Labcorp
Classification: Uncertain significance for Renal cell carcinoma. Last evaluated: 2025-11-05. Review status: criteria provided, single submitter. Criteria: Invitae Variant Classification Sherloc (09022015). Collection method: clinical testing. Allele origin: germline.
Comment: This sequence change replaces asparagine, which is neutral and polar, with aspartic acid, which is acidic and polar, at codon 813 of the MET protein (p.Asn813Asp). This variant is not present in population databases (gnomAD no frequency). This variant has not been reported in the literature in individuals affected with MET-related conditions. ClinVar contains an entry for this variant (Variation ID: 41622). An algorithm developed to predict the effect of missense changes on protein structure and function (PolyPhen-2) suggests that this variant is likely to be tolerated. In summary, the available evidence is currently insufficient to determine the role of this variant in disease. Therefore, it has been classified as a Variant of Uncertain Significance.

Ambry Genetics
Classification: Likely benign for Hereditary cancer-predisposing syndrome. Last evaluated: 2024-07-01. Review status: criteria provided, single submitter. Criteria: Ambry Variant Classification Scheme 2023. Collection method: clinical testing. Allele origin: germline.

GeneDx
Classification: Uncertain significance. Last evaluated: 2022-07-01. Review status: criteria provided, single submitter. Criteria: GeneDx Variant Classification Process June 2021. Collection method: clinical testing. Allele origin: germline. Affected: yes.
Comment: Not observed at significant frequency in large population cohorts (gnomAD); In silico analysis supports that this missense variant does not alter protein structure/function; Has not been previously published as pathogenic or benign to our knowledge; This variant is associated with the following publications: (PMID: 22703879)

Biesecker Lab/Clinical Genomics Section, National Institutes of Health
Classification: Uncertain significance. Last evaluated: 2012-07-13. Review status: no assertion criteria provided. Collection method: research. Allele origin: germline. Affected: no. Observed: 1 variant allele. Study: ClinSeq. Not counted in ClinVar's aggregate classification.
ClinVar note: Converted during submission from variant of unknown significance to Uncertain significance.

NM_000245.4(MET):c.2383A>G (p.Asn795Asp)

Gene: MET (MET proto-oncogene, receptor tyrosine kinase; plus strand). Cytogenetic location: 7q31.2.
Variant type: single nucleotide variant.
Coding change: c.2383A>G on transcript NM_000245.4 (MANE Select); coding-DNA position 2383, A replaced by G.
Protein change: p.Asn795Asp; replaces asparagine 795 with aspartic acid.
Molecular consequence: missense variant.
Genome position (GRCh38, 1-based): chr7:116,763,068, A>G. VCF-style: chr7-116763068-A-G. GRCh37 (hg19) VCF-style: chr7-116403122-A-G.
Other names: c.2437A>G, p.Asn813Asp (NM_001127500.3); c.2383A>G, p.Asn795Asp (NM_001324401.3); c.1093A>G, p.Asn365Asp (NM_001324402.2); short protein forms N813D, N795D, N365D.
Identifiers: ClinVar variation 41622 (VCV000041622.15), dbSNP rs200633053, ClinGen allele CA215653.
Genomic context (GRCh38, chr7:116,763,068, plus strand): 5'-AGCTGTATTCTGTTTACAGTGGATAATTGTGTCTTTCTCTAGGCATGTCAACATCGCTCT[A>G]ATTCAGAGATAATCTGTTGTACCACTCCTTCCCTGCAACAGCTGAATCTGCAACTCCCCC-3'
Protein context (NP_000236.2, residues 785-805): NFTVACQHRS[Asn795Asp]SEIICCTTPS